The following is an entry in ClinVar:

NM_006206.6(PDGFRA):c.1793T>C (p.Val598Ala)

Gene: PDGFRA (platelet derived growth factor receptor alpha; plus strand). Cytogenetic location: 4q12.
Variant type: single nucleotide variant.
Coding change: c.1793T>C on transcript NM_006206.6 (MANE Select); coding-DNA position 1793, T replaced by C.
Protein change: p.Val598Ala; replaces valine 598 with alanine.
Molecular consequence: missense variant.
Genome position (GRCh38, 1-based): chr4:54,277,394, T>C. VCF-style: chr4-54277394-T-C. GRCh37 (hg19) VCF-style: chr4-55143561-T-C.
Other names: c.1793T>C, p.Val598Ala (NM_001347827.2, NM_001347829.2); c.1868T>C, p.Val623Ala (NM_001347828.2); c.1832T>C, p.Val611Ala (NM_001347830.2); short protein forms V598A, V623A, V611A.
Identifiers: ClinVar variation 568992 (VCV000568992.14), dbSNP rs757608100, ClinGen allele CA2922685.

ClinVar aggregate classification (germline): Conflicting classifications of pathogenicity. Review status: criteria provided, conflicting classifications (1 of 4 stars). 2 submissions from 2 submitters: Uncertain significance (1); Likely benign (1). Last evaluated 2026-02-03.

Conditions:
Hereditary cancer-predisposing syndrome. Also called: Hereditary neoplastic syndrome; Neoplastic Syndromes, Hereditary; Hereditary Cancer Syndrome; Tumor predisposition. Identifiers: Orphanet 140162, MedGen C0027672, MeSH D009386, MONDO:0015356.
Gastrointestinal stromal tumor. Also called: Gastrointestinal stromal tumor, somatic; Gastrointestinal stroma tumor. Identifiers: Orphanet 44890, MedGen C0238198, MeSH D046152, MONDO:0011719, OMIM 606764, HP:0100723.

Allele frequency attached by ClinVar (database versions not stated): gnomAD exomes below 0.00001 and 0.00001; ExAC 0.00001; TOPMed 0.00001.
gnomAD v4.1: 6 of 1,613,196 alleles (0.00037%); highest among the groups gnomAD compares: Admixed American, 0.0067%; no homozygotes.

Submissions (2):

Labcorp Genetics (formerly Invitae), Labcorp
Classification: Uncertain significance for Gastrointestinal stromal tumor. Last evaluated: 2026-02-03. Review status: criteria provided, single submitter. Criteria: Invitae Variant Classification Sherloc (09022015). Collection method: clinical testing. Allele origin: germline.
Comment: This sequence change replaces valine, which is neutral and non-polar, with alanine, which is neutral and non-polar, at codon 598 of the PDGFRA protein (p.Val598Ala). This variant is present in population databases (rs757608100, gnomAD 0.003%). This variant has not been reported in the literature in individuals affected with PDGFRA-related conditions. ClinVar contains an entry for this variant (Variation ID: 568992). Invitae Evidence Modeling of protein sequence and biophysical properties (such as structural, functional, and spatial information, amino acid conservation, physicochemical variation, residue mobility, and thermodynamic stability) indicates that this missense variant is not expected to disrupt PDGFRA protein function with a negative predictive value of 80%. In summary, the available evidence is currently insufficient to determine the role of this variant in disease. Therefore, it has been classified as a Variant of Uncertain Significance.

Ambry Genetics
Classification: Likely benign for Hereditary cancer-predisposing syndrome. Last evaluated: 2022-02-22. Review status: criteria provided, single submitter. Criteria: Ambry Variant Classification Scheme 2023. Collection method: clinical testing. Allele origin: germline.